The following is an entry in ClinVar:

ClinVar aggregate classification (germline): Uncertain significance (1 of 4 stars; one submission).

Allele frequency attached by ClinVar (database versions not stated): TOPMed 0.00006; ESP Exome Variant Server 0.00008.
gnomAD v4.1: 21 of 1,611,270 alleles (0.0013%); highest among the groups gnomAD compares: African/African-American, 0.017%; no homozygotes.

Submission:

Labcorp Genetics (formerly Invitae), Labcorp
Classification: Uncertain significance. Last evaluated: 2023-08-04. Review status: criteria provided, single submitter. Criteria: Invitae Variant Classification Sherloc (09022015). Collection method: clinical testing. Allele origin: germline.
Comment: This sequence change replaces arginine, which is basic and polar, with cysteine, which is neutral and slightly polar, at codon 421 of the FSCN2 protein (p.Arg421Cys). This variant is present in population databases (rs375077430, gnomAD 0.02%). This variant has not been reported in the literature in individuals affected with FSCN2-related conditions. ClinVar contains an entry for this variant (Variation ID: 955592). An algorithm developed to predict the effect of missense changes on protein structure and function (PolyPhen-2) suggests that this variant is likely to be disruptive. In summary, the available evidence is currently insufficient to determine the role of this variant in disease. Therefore, it has been classified as a Variant of Uncertain Significance.

NM_012418.4(FSCN2):c.1189C>T (p.Arg397Cys)

Gene: FSCN2 (fascin actin-bundling protein 2, retinal; plus strand). Cytogenetic location: 17q25.3.
Variant type: single nucleotide variant.
Coding change: c.1189C>T on transcript NM_012418.4 (MANE Select); coding-DNA position 1189, C replaced by T.
Protein change: p.Arg397Cys; replaces arginine 397 with cysteine.
Molecular consequence: missense variant.
Genome position (GRCh38, 1-based): chr17:81,536,705, C>T. VCF-style: chr17-81536705-C-T. GRCh37 (hg19) VCF-style: chr17-79503731-C-T.
Other names: c.1261C>T, p.Arg421Cys (NM_001077182.3); short protein forms R397C, R421C.
Identifiers: ClinVar variation 955592 (VCV000955592.9), dbSNP rs375077430, ClinGen allele CA8837031.